The following is an entry in ClinVar:

NM_015267.4(CUX2):c.4196C>T (p.Ser1399Leu)

Gene: CUX2 (cut like homeobox 2; plus strand). Cytogenetic location: 12q24.12.
Variant type: single nucleotide variant.
Coding change: c.4196C>T on transcript NM_015267.4 (MANE Select); coding-DNA position 4196, C replaced by T.
Protein change: p.Ser1399Leu; replaces serine 1399 with leucine.
Molecular consequence: missense variant.
Genome position (GRCh38, 1-based): chr12:111,348,060, C>T. VCF-style: chr12-111348060-C-T. GRCh37 (hg19) VCF-style: chr12-111785864-C-T.
Other names: c.4010C>T, p.Ser1337Leu (NM_001370598.1); short protein forms S1337L, S1399L.
Identifiers: ClinVar variation 1308810 (VCV001308810.2), dbSNP rs1888898623, ClinGen allele CA386722749.

ClinVar aggregate classification (germline): Uncertain significance (1 of 4 stars; one submission).

Allele frequency attached by ClinVar (database versions not stated): gnomAD exomes below 0.00001; TOPMed 0.00001.
gnomAD v4.1: 3 of 1,614,100 alleles (0.00019%); highest among the groups gnomAD compares: Admixed American, 0.0017%; no homozygotes.

Submission:

GeneDx
Classification: Uncertain significance. Last evaluated: 2019-10-02. Review status: criteria provided, single submitter. Criteria: GeneDx Variant Classification Process June 2021. Collection method: clinical testing. Allele origin: germline. Affected: yes.
Comment: Not observed in large population cohorts (Lek et al., 2016); In silico analysis, which includes protein predictors and evolutionary conservation, supports a deleterious effect; Has not been previously published as pathogenic or benign to our knowledge